The following is an entry in ClinVar:

NM_017780.4(CHD7):c.736G>T (p.Ala246Ser)

Gene: CHD7 (chromodomain helicase DNA binding protein 7; plus strand). Cytogenetic location: 8q12.2.
Variant type: single nucleotide variant.
Coding change: c.736G>T on transcript NM_017780.4 (MANE Select); coding-DNA position 736, G replaced by T.
Protein change: p.Ala246Ser; replaces alanine 246 with serine.
Molecular consequence: missense variant.
Genome position (GRCh38, 1-based): chr8:60,742,168, G>T. VCF-style: chr8-60742168-G-T. GRCh37 (hg19) VCF-style: chr8-61654727-G-T.
Other names: c.736G>T, p.Ala246Ser (NM_001316690.1); short protein forms A246S.
Identifiers: ClinVar variation 4706485 (VCV004706485.1).
Genomic context (GRCh38, chr8:60,742,168, plus strand): 5'-TTTATTGCCACCTCAGGACCTGGCCACTTGTCCCACGTGCCCCAGCAGAGTCCCAGCATG[G>T]CACCTTCCTTGCGTCACTCGGTGCAGCAGTTCCATCACCACCCCTCTACTGCTCTCCATG-3'
Protein context (NP_060250.2, residues 236-256): SHVPQQSPSM[Ala246Ser]PSLRHSVQQF

ClinVar aggregate classification (germline): Uncertain significance (1 of 4 stars; one submission).

Conditions:
CHARGE syndrome (CHARGE). Also called: Hittner Hirsch Kreh syndrome; CHARGE ASSOCIATION--COLOBOMA, HEART ANOMALY, CHOANAL ATRESIA, RETARDATION, GENITAL AND EAR ANOMALIES; Coloboma, heart anomaly, choanal atresia, retardation, genital and ear anomalies; CHARGE association; Hall-Hittner syndrome. Identifiers: Orphanet 138, MedGen C0265354, MONDO:0008965.

Submission:

Labcorp Genetics (formerly Invitae), Labcorp
Classification: Uncertain significance for CHARGE syndrome. Last evaluated: 2025-11-22. Review status: criteria provided, single submitter. Criteria: Invitae Variant Classification Sherloc (09022015). Collection method: clinical testing. Allele origin: germline.
Comment: This sequence change replaces alanine, which is neutral and non-polar, with serine, which is neutral and polar, at codon 246 of the CHD7 protein (p.Ala246Ser). This variant is not present in population databases (gnomAD no frequency). This variant has not been reported in the literature in individuals affected with CHD7-related conditions. Invitae Evidence Modeling of protein sequence and biophysical properties (such as structural, functional, and spatial information, amino acid conservation, physicochemical variation, residue mobility, and thermodynamic stability) indicates that this missense variant is not expected to disrupt CHD7 protein function with a negative predictive value of 95%. In summary, the available evidence is currently insufficient to determine the role of this variant in disease. Therefore, it has been classified as a Variant of Uncertain Significance.